The following is an entry in ClinVar:

NM_020975.6(RET):c.624G>T (p.Glu208Asp)

Gene: RET (ret proto-oncogene; plus strand). Cytogenetic location: 10q11.21.
Variant type: single nucleotide variant.
Coding change: c.624G>T on transcript NM_020975.6 (MANE Select); coding-DNA position 624, G replaced by T.
Protein change: p.Glu208Asp; replaces glutamic acid 208 with aspartic acid.
Molecular consequence: missense variant.
Genome position (GRCh38, 1-based): chr10:43,102,628, G>T. VCF-style: chr10-43102628-G-T. GRCh37 (hg19) VCF-style: chr10-43598076-G-T.
Other names: c.624G>T, p.Glu208Asp (NM_000323.2, NM_001406743.1, NM_001406744.1 and 16 more transcripts); c.495G>T, p.Glu165Asp (NM_001406761.1, NM_001406762.1, NM_001406764.1 and 4 more transcripts); short protein forms E208D, E165D.
Identifiers: ClinVar variation 241365 (VCV000241365.22), dbSNP rs781750106, ClinGen allele CA044109.

ClinVar aggregate classification (germline): Benign/Likely benign. Review status: criteria provided, multiple submitters, no conflicts (2 of 4 stars). 5 submissions from 5 submitters: Benign (1); Likely benign (3). 1 of the submissions does not count toward it. Last evaluated 2026-01-04.

Conditions:
RET-related disorder. Also called: RET-related condition; RET-related disease; RET-related disorders.
Multiple endocrine neoplasia, type 2 (MEN2). Identifiers: Orphanet 653, MedGen C4048306, MONDO:0019003. Disease mechanism: gain of function.
Hereditary cancer-predisposing syndrome. Also called: Tumor predisposition; Neoplastic Syndromes, Hereditary; Hereditary Cancer Syndrome; Hereditary neoplastic syndrome. Identifiers: Orphanet 140162, MedGen C0027672, MeSH D009386, MONDO:0015356.

Allele frequency attached by ClinVar (database versions not stated): gnomAD below 0.00001 and 0.00002; gnomAD exomes 0.00007 and 0.00018; ExAC 0.00026.
gnomAD v4.1: 108 of 1,613,928 alleles (0.0067%); highest among the groups gnomAD compares: South Asian, 0.11%; no homozygotes.

Submissions (5):

Labcorp Genetics (formerly Invitae), Labcorp
Classification: Likely benign for Multiple endocrine neoplasia, type 2. Last evaluated: 2026-01-04. Review status: criteria provided, single submitter. Criteria: Invitae Variant Classification Sherloc (09022015). Collection method: clinical testing. Allele origin: germline.

All of Us Research Program, National Institutes of Health
Classification: Likely benign for Multiple endocrine neoplasia, type 2. Last evaluated: 2023-12-01. Review status: criteria provided, single submitter. Criteria: ACMG Guidelines, 2015. Collection method: clinical testing. Allele origin: germline. Inheritance: Autosomal dominant inheritance. Observed: 5 variant alleles, 5 heterozygotes.
Comment: This study involves interpretation of variants in research participants for the purpose of population health screening. Participant phenotype was not available at the time of variant classification. Additional details can be found in publication PMID: 35346344, PMCID: PMC8962531

Color Diagnostics, LLC DBA Color Health
Classification: Likely benign for Multiple endocrine neoplasia, type 2. Last evaluated: 2023-03-02. Review status: criteria provided, single submitter. Criteria: ACMG Guidelines, 2015. Collection method: clinical testing. Allele origin: germline.

Ambry Genetics
Classification: Benign for Hereditary cancer-predisposing syndrome. Last evaluated: 2021-09-20. Review status: criteria provided, single submitter. Criteria: Ambry Variant Classification Scheme 2023. Collection method: clinical testing. Allele origin: germline.

PreventionGenetics, part of Exact Sciences
Classification: Likely benign for RET-related condition. Last evaluated: 2022-09-14. Review status: no assertion criteria provided. Collection method: clinical testing. Allele origin: germline. Not counted in ClinVar's aggregate classification.
Comment: This variant is classified as likely benign based on ACMG/AMP sequence variant interpretation guidelines (Richards et al. 2015 PMID: 25741868, with internal and published modifications).